The following is an entry in ClinVar:

NM_014000.3(VCL):c.2914T>A (p.Ser972Thr)

Gene: VCL (vinculin; plus strand). Cytogenetic location: 10q22.2.
Variant type: single nucleotide variant.
Coding change: c.2914T>A on transcript NM_014000.3 (MANE Select); coding-DNA position 2914, T replaced by A.
Protein change: p.Ser972Thr; replaces serine 972 with threonine.
Molecular consequence: missense variant. On other transcripts: intron variant (1).
Genome position (GRCh38, 1-based): chr10:74,112,077, T>A. VCF-style: chr10-74112077-T-A. GRCh37 (hg19) VCF-style: chr10-75871835-T-A.
Other names: c.2746-2107T>A (NM_003373.4); short protein forms S972T.
Identifiers: ClinVar variation 4746777 (VCV004746777.1).

ClinVar aggregate classification (germline): Uncertain significance (1 of 4 stars; one submission).

Conditions:
Dilated cardiomyopathy 1W (CMD1W). Identifiers: Orphanet 154, MedGen C1969639, MONDO:0012667, OMIM 611407.

gnomAD v4.1: 19 of 1,614,182 alleles (0.0012%); highest among the groups gnomAD compares: Non-Finnish European, 0.0015%; no homozygotes.

Submission:

Labcorp Genetics (formerly Invitae), Labcorp
Classification: Uncertain significance for Dilated cardiomyopathy 1W. Last evaluated: 2025-04-07. Review status: criteria provided, single submitter. Criteria: Invitae Variant Classification Sherloc (09022015). Collection method: clinical testing. Allele origin: germline.
Comment: This sequence change replaces serine, which is neutral and polar, with threonine, which is neutral and polar, at codon 972 of the VCL protein (p.Ser972Thr). This variant is present in population databases (rs765226093, gnomAD 0.0009%). This variant has not been reported in the literature in individuals affected with VCL-related conditions. An algorithm developed to predict the effect of missense changes on protein structure and function (PolyPhen-2) suggests that this variant is likely to be tolerated. In summary, the available evidence is currently insufficient to determine the role of this variant in disease. Therefore, it has been classified as a Variant of Uncertain Significance.